The following is an entry in ClinVar:

ClinVar aggregate classification (germline): Uncertain significance (1 of 4 stars; one submission).

Conditions:
Inborn genetic diseases. Identifiers: MedGen C0950123, MeSH D030342.

gnomAD v4.1: 11 of 1,613,552 alleles (0.00068%); highest among the groups gnomAD compares: African/African-American, 0.008%; no homozygotes.

Submission:

Ambry Genetics
Classification: Uncertain significance for Inborn genetic diseases. Last evaluated: 2024-12-29. Review status: criteria provided, single submitter. Criteria: Ambry Variant Classification Scheme 2023. Collection method: clinical testing. Allele origin: germline.
Comment: The p.N1094S variant (also known as c.3281A>G), located in coding exon 15 of the MECOM gene, results from an A to G substitution at nucleotide position 3281. The asparagine at codon 1094 is replaced by serine, an amino acid with highly similar properties. This amino acid position is conserved. In addition, this alteration is predicted to be tolerated by in silico analysis. Based on the available evidence, the clinical significance of this variant remains unclear.

NM_004991.4(MECOM):c.3281A>G (p.Asn1094Ser)

Gene: MECOM (MDS1 and EVI1 complex locus; minus strand). Cytogenetic location: 3q26.2.
Variant type: single nucleotide variant.
Coding change: c.3281A>G on transcript NM_004991.4 (MANE Select); coding-DNA position 3281, A replaced by G.
Protein change: p.Asn1094Ser; replaces asparagine 1094 with serine.
Molecular consequence: missense variant.
Genome position (GRCh38, 1-based): chr3:169,090,120, T>C on the plus strand (A>G on the coding strand, the complement: MECOM is on the minus strand). VCF-style: chr3-169090120-T-C. GRCh37 (hg19) VCF-style: chr3-168807908-T-C.
Other names: c.2912A>G, p.Asn971Ser (NM_001105077.4); c.2717A>G, p.Asn906Ser (NM_001105078.4, NM_001205194.2, NM_001366469.2 and 1 more transcripts); c.2693A>G, p.Asn898Ser (NM_001163999.2, NM_001366470.2); c.2690A>G, p.Asn897Ser (NM_001164000.2, NM_001366471.2, NM_001366472.2); c.3254A>G, p.Asn1085Ser (NM_001366466.2); c.2720A>G, p.Asn907Ser (NM_001366467.2, NM_001366468.2); c.2282A>G, p.Asn761Ser (NM_001366473.2); c.1718A>G, p.Asn573Ser (NM_001366474.2); short protein forms N573S, N1085S, N1094S, N761S, N897S, N898S, N906S, N907S.
Identifiers: ClinVar variation 3871646 (VCV003871646.1).
Genomic context (GRCh38, chr3:169,090,120, plus strand): 5'-GGGTTTCCTTCATGTAAATTACTTGTCACTGGTTCCTTTCCTGTTTTTCCAGTAATATCA[T>C]TGTCTTCATCCTCCTCATCTAACAACACCTCATCTTCAACTTCTTCATCATCCAGCAAGT-3'
Protein context (NP_004982.2, residues 1084-1104): EVLLDEEDED[Asn1094Ser]DITGKTGKEP